The following is an entry in ClinVar:

ClinVar aggregate classification (germline): Likely benign (0 of 4 stars; one submission).

Conditions:
DSCAM-related disorder. Also called: DSCAM-related condition.

Allele frequency attached by ClinVar (database versions not stated): TOPMed below 0.00001; gnomAD exomes 0.00001; ExAC 0.00002.
gnomAD v4.1: 22 of 1,614,196 alleles (0.0014%); highest among the groups gnomAD compares: South Asian, 0.02%; no homozygotes.

Submission:

PreventionGenetics, part of Exact Sciences
Classification: Likely benign for DSCAM-related condition. Last evaluated: 2019-04-25. Review status: no assertion criteria provided. Collection method: clinical testing. Allele origin: germline.
Comment: This variant is classified as likely benign based on ACMG/AMP sequence variant interpretation guidelines (Richards et al. 2015 PMID: 25741868, with internal and published modifications).

NM_001389.5(DSCAM):c.4677G>A (p.Lys1559=)

Gene: DSCAM (DS cell adhesion molecule; minus strand). Cytogenetic location: 21q22.2.
Variant type: single nucleotide variant.
Coding change: c.4677G>A on transcript NM_001389.5 (MANE Select); coding-DNA position 4677, G replaced by A.
Protein change: p.Lys1559=; no amino-acid change (lysine 1559 retained).
Molecular consequence: synonymous variant. On other transcripts: non-coding transcript variant (1).
Genome position (GRCh38, 1-based): chr21:40,078,721, C>T on the plus strand (G>A on the coding strand, the complement: DSCAM is on the minus strand). VCF-style: chr21-40078721-C-T. GRCh37 (hg19) VCF-style: chr21-41450648-C-T.
Other names: c.4677G>A, p.Lys1559= (NM_001271534.3, NM_206887.1).
Identifiers: ClinVar variation 3046579 (VCV003046579.2), dbSNP rs766955888, ClinGen allele CA10030571.
Genomic context (GRCh38, chr21:40,078,721, plus strand): 5'-GAGAGCCACAAAGCCAGCCAGCTTACTGCCATCGTAGTTCAGCGTAGCGAAGTTGGCCTG[C>T]TTCTCCGCGCAGCCCGCACTGTTGCACACCCGCATCTGCAGCTCATACCAGGTGGCTTCC-3'
Protein context (NP_001380.2, residues 1549-1569): RVCNSAGCAE[Lys1559=]QANFATLNYD